The following is an entry in ClinVar:

ClinVar aggregate classification (germline): Pathogenic/Likely pathogenic. Review status: criteria provided, multiple submitters, no conflicts (2 of 4 stars). 4 submissions from 4 submitters: Pathogenic (1); Likely pathogenic (1). 2 of the submissions do not count toward it. Last evaluated 2026-06-24.

Conditions:
Finnish congenital nephrotic syndrome (NPHS1). Also called: NEPHROTIC SYNDROME, TYPE 1. Identifiers: Orphanet 839, MedGen C0403399, MONDO:0009732, OMIM 256300.

gnomAD v4.1: 2 of 1,608,128 alleles (0.00012%); highest among the groups gnomAD compares: Non-Finnish European, 0.00017%; no homozygotes.

Submissions (4):

Myriad Genetics, Inc.
Classification: Pathogenic for Finnish congenital nephrotic syndrome. Last evaluated: 2026-06-24. Review status: criteria provided, single submitter. Criteria: Myriad Autosomal Dominant, Autosomal Recessive and X-Linked Classification Criteria (2023). Collection method: clinical testing. Allele origin: unknown.
Comment: NM_004646.3(NPHS1):c.609-2A>C is a variant in a canonical splice site classified as pathogenic in the context of nephrotic syndrome, NPHS1-related. c.609-2A>C has been observed in cases with relevant disease (PMID: 25720465, 18614772). Relevant functional assessments of this variant are not available in the literature. c.609-2A>C has not been observed in referenced population frequency databases. In summary, NM_004646.3(NPHS1):c.609-2A>C is a variant in a canonical splice site in a gene where loss of function is a known mechanism of disease, is predicted to disrupt protein function, and has been observed more frequently in cases with the relevant disease than in healthy populations. Please note: this variant was assessed in the context of healthy population screening.

Labcorp Genetics (formerly Invitae), Labcorp
Classification: Likely pathogenic. Last evaluated: 2019-02-18. Review status: criteria provided, single submitter. Criteria: Invitae Variant Classification Sherloc (09022015). Collection method: clinical testing. Allele origin: germline.
Comment: This variant is not present in population databases (ExAC no frequency). In summary, the currently available evidence indicates that the variant is pathogenic, but additional data are needed to prove that conclusively. Therefore, this variant has been classified as Likely Pathogenic. Donor and acceptor splice site variants typically lead to a loss of protein function (PMID: 16199547), and loss-of-function variants in NPHS1 are known to be pathogenic (PMID: 11317351, 11854170, 12039988). Algorithms developed to predict the effect of sequence changes on RNA splicing suggest that this variant may disrupt the consensus splice site, but this prediction has not been confirmed by published transcriptional studies. This variant has been observed in several individuals affected with congential nephrotic syndrome (PMID: 18614772, 25720465). ClinVar contains an entry for this variant (Variation ID: 56517). This sequence change affects an acceptor splice site in intron 5 of the NPHS1 gene. It is expected to disrupt RNA splicing and likely results in an absent or disrupted protein product.

Counsyl
Classification: Pathogenic for Finnish congenital nephrotic syndrome. Last evaluated: 2018-05-31. Review status: no assertion criteria provided. Collection method: clinical testing. Allele origin: unknown. Not counted in ClinVar's aggregate classification.

Juha Muilu Group; Institute for Molecular Medicine Finland (FIMM)
Classification: Likely pathogenic for Finnish congenital nephrotic syndrome. Review status: no assertion criteria provided. Collection method: not provided. Allele origin: unknown. Not counted in ClinVar's aggregate classification.
Comment: FinDis database variant: FinDis database variant: This variant was not found or characterized by our laboratory, data were collected from public sources: see reference
ClinVar note: Converted during submission from probable-pathogenic to Likely pathogenic.

Literature cited by the submitters: PubMed 18614772 (cited by 3 submitters); PubMed 25720465 (cited by 3 submitters); PubMed 16199547 (cited by Labcorp Genetics (formerly Invitae), Labcorp); PubMed 11317351 (cited by Labcorp Genetics (formerly Invitae), Labcorp); PubMed 11854170 (cited by Labcorp Genetics (formerly Invitae), Labcorp); PubMed 12039988 (cited by Labcorp Genetics (formerly Invitae), Labcorp).

NM_004646.4(NPHS1):c.609-2A>C

Gene: NPHS1 (NPHS1 adhesion molecule, nephrin; minus strand). Cytogenetic location: 19q13.12.
Variant type: single nucleotide variant.
Coding change: c.609-2A>C on transcript NM_004646.4 (MANE Select); the canonical splice acceptor site of the intron before coding-DNA position 609, A replaced by C.
Molecular consequence: splice acceptor variant.
Genome position (GRCh38, 1-based): chr19:35,849,655, T>G on the plus strand (A>C on the coding strand, the complement: NPHS1 is on the minus strand). VCF-style: chr19-35849655-T-G. GRCh37 (hg19) VCF-style: chr19-36340557-T-G.
Identifiers: ClinVar variation 56517 (VCV000056517.12), dbSNP rs386833955, ClinGen allele CA250262.